The following is an entry in ClinVar:

ClinVar aggregate classification (germline): Likely benign (1 of 4 stars; one submission).

gnomAD v4.1: 126 of 1,612,734 alleles (0.0078%); highest among the groups gnomAD compares: Middle Eastern, 0.05%; no homozygotes.

Submission:

CeGaT Center for Human Genetics Tuebingen
Classification: Likely benign. Last evaluated: 2026-07-01. Review status: criteria provided, single submitter. Criteria: CeGaT Center For Human Genetics Tuebingen Variant Classification Criteria Version 2. Collection method: clinical testing. Allele origin: germline. Affected: yes. Observed: 2 variant alleles.
Comment: KLHDC7B: BP4, BP7

NM_138433.5(KLHDC7B):c.3159C>A (p.Gly1053=)

Gene: KLHDC7B (kelch domain containing 7B; plus strand). Cytogenetic location: 22q13.33.
Variant type: single nucleotide variant.
Coding change: c.3159C>A on transcript NM_138433.5 (MANE Select); coding-DNA position 3159, C replaced by A.
Protein change: p.Gly1053=; no amino-acid change (glycine 1053 retained).
Molecular consequence: synonymous variant.
Genome position (GRCh38, 1-based): chr22:50,549,402, C>A. VCF-style: chr22-50549402-C-A. GRCh37 (hg19) VCF-style: chr22-50987831-C-A.
Identifiers: ClinVar variation 2653405 (VCV002653405.24), dbSNP rs769685749, ClinGen allele CA10322407.